The following is an entry in ClinVar:

NM_022124.6(CDH23):c.3883G>A (p.Gly1295Ser)

Genes: C10orf105 (chromosome 10 open reading frame 105; minus strand), CDH23 (cadherin related 23; plus strand). Cytogenetic location: 10q22.1.
Variant type: single nucleotide variant.
Coding change: c.3883G>A on transcript NM_022124.6 (MANE Select); coding-DNA position 3883, G replaced by A.
Protein change: p.Gly1295Ser; replaces glycine 1295 with serine.
Molecular consequence: missense variant. On other transcripts: intron variant (1).
Genome position (GRCh38, 1-based): chr10:71,732,154, G>A. VCF-style: chr10-71732154-G-A. GRCh37 (hg19) VCF-style: chr10-73491911-G-A.
Other names: c.3883G>A, p.Gly1295Ser (NM_001171930.2); c.-6+5574C>T (NM_001168390.2); short protein forms G1295S.
Identifiers: ClinVar variation 837733 (VCV000837733.10), dbSNP rs1283599592, ClinGen allele CA377156458.

ClinVar aggregate classification (germline): Uncertain significance. Review status: criteria provided, multiple submitters, no conflicts (2 of 4 stars). 2 submissions from 2 submitters: Uncertain significance (2). Last evaluated 2024-11-18.

Conditions:
Inborn genetic diseases. Identifiers: MedGen C0950123, MeSH D030342.

Allele frequency attached by ClinVar (database versions not stated): gnomAD exomes below 0.00001; TOPMed below 0.00001; gnomAD 0.00001.
gnomAD v4.1: 31 of 1,613,852 alleles (0.0019%); highest among the groups gnomAD compares: Non-Finnish European, 0.0026%; no homozygotes.

Submissions (2):

Labcorp Genetics (formerly Invitae), Labcorp
Classification: Uncertain significance. Last evaluated: 2024-11-18. Review status: criteria provided, single submitter. Criteria: Invitae Variant Classification Sherloc (09022015). Collection method: clinical testing. Allele origin: germline.
Comment: This sequence change replaces glycine, which is neutral and non-polar, with serine, which is neutral and polar, at codon 1295 of the CDH23 protein (p.Gly1295Ser). This variant is present in population databases (no rsID available, gnomAD 0.0009%). This variant has not been reported in the literature in individuals affected with CDH23-related conditions. ClinVar contains an entry for this variant (Variation ID: 837733). Invitae Evidence Modeling of protein sequence and biophysical properties (such as structural, functional, and spatial information, amino acid conservation, physicochemical variation, residue mobility, and thermodynamic stability) has been performed for this missense variant. However, the output from this modeling did not meet the statistical confidence thresholds required to predict the impact of this variant on CDH23 protein function. In summary, the available evidence is currently insufficient to determine the role of this variant in disease. Therefore, it has been classified as a Variant of Uncertain Significance.

Ambry Genetics
Classification: Uncertain significance for Inborn genetic diseases. Last evaluated: 2022-11-17. Review status: criteria provided, single submitter. Criteria: Ambry Variant Classification Scheme 2023. Collection method: clinical testing. Allele origin: germline.